The following is an entry in ClinVar:

ClinVar aggregate classification (germline): Uncertain significance (1 of 4 stars; one submission).

Submission:

GeneDx
Classification: Uncertain significance. Last evaluated: 2025-04-11. Review status: criteria provided, single submitter. Criteria: GeneDx Variant Classification Process June 2021. Collection method: clinical testing. Allele origin: germline. Affected: yes.
Comment: Not observed at significant frequency in large population cohorts (gnomAD); In silico analysis indicates that this missense variant does not alter protein structure/function; Has not been previously published as pathogenic or benign to our knowledge

NM_052876.4(NACC1):c.435C>G (p.Ser145Arg)

Gene: NACC1 (nucleus accumbens associated 1; plus strand). Cytogenetic location: 19p13.13.
Variant type: single nucleotide variant.
Coding change: c.435C>G on transcript NM_052876.4 (MANE Select); coding-DNA position 435, C replaced by G.
Protein change: p.Ser145Arg; replaces serine 145 with arginine.
Molecular consequence: missense variant.
Genome position (GRCh38, 1-based): chr19:13,135,642, C>G. VCF-style: chr19-13135642-C-G. GRCh37 (hg19) VCF-style: chr19-13246456-C-G.
Other names: short protein forms S145R.
Identifiers: ClinVar variation 4282153 (VCV004282153.1).
Genomic context (GRCh38, chr19:13,135,642, plus strand): 5'-CCCGAGCTGCGACTCCCAGGGCCTGCATGCGGAGGAGGCCCCATCGTCGGAGCCCCAGAG[C>G]CCCGTGGCGCAGACATCGGGCTGGCCAGCCTGTAGCACCCCGCTGCCCCTCGTGTCGCGG-3'
Protein context (NP_443108.1, residues 135-155): AEEAPSSEPQ[Ser145Arg]PVAQTSGWPA